The following is an entry in ClinVar:

ClinVar aggregate classification (germline): Uncertain significance (1 of 4 stars; one submission).

gnomAD v4.1: 2 of 1,614,150 alleles (0.00012%); highest among the groups gnomAD compares: Non-Finnish European, 0.00017%; no homozygotes.

Submission:

GeneDx
Classification: Uncertain significance. Last evaluated: 2023-11-01. Review status: criteria provided, single submitter. Criteria: GeneDx Variant Classification Process June 2021. Collection method: clinical testing. Allele origin: germline. Affected: yes.
Comment: Not observed at significant frequency in large population cohorts (gnomAD); In silico analysis supports that this missense variant has a deleterious effect on protein structure/function; Has not been previously published as pathogenic or benign to our knowledge

NM_052874.5(STX1B):c.260A>T (p.Lys87Met)

Gene: STX1B (syntaxin 1B; minus strand). Cytogenetic location: 16p11.2.
Variant type: single nucleotide variant.
Coding change: c.260A>T on transcript NM_052874.5 (MANE Select); coding-DNA position 260, A replaced by T.
Protein change: p.Lys87Met; replaces lysine 87 with methionine.
Molecular consequence: missense variant.
Genome position (GRCh38, 1-based): chr16:31,000,948, T>A on the plus strand (A>T on the coding strand, the complement: STX1B is on the minus strand). VCF-style: chr16-31000948-T-A. GRCh37 (hg19) VCF-style: chr16-31012269-T-A.
Other names: short protein forms K87M.
Identifiers: ClinVar variation 3363660 (VCV003363660.1).